The following is an entry in ClinVar:

ClinVar aggregate classification (germline): Uncertain significance. Review status: criteria provided, multiple submitters, no conflicts (2 of 4 stars). 2 submissions from 2 submitters: Uncertain significance (2). Last evaluated 2025-01-20.

Conditions:
Inborn genetic diseases. Identifiers: MedGen C0950123, MeSH D030342.

gnomAD v4.1: 2 of 1,612,992 alleles (0.00012%); highest among the groups gnomAD compares: South Asian, 0.0011%; no homozygotes.

Submissions (2):

Ambry Genetics
Classification: Uncertain significance for Inborn genetic diseases. Last evaluated: 2025-01-20. Review status: criteria provided, single submitter. Criteria: Ambry Variant Classification Scheme 2023. Collection method: clinical testing. Allele origin: germline.

GeneDx
Classification: Uncertain significance. Last evaluated: 2022-04-15. Review status: criteria provided, single submitter. Criteria: GeneDx Variant Classification Process June 2021. Collection method: clinical testing. Allele origin: germline. Affected: yes.
Comment: In silico analysis supports that this missense variant does not alter protein structure/function; Has not been previously published as pathogenic or benign to our knowledge

NM_001386298.1(CIC):c.5377C>T (p.Pro1793Ser)

Gene: CIC (capicua transcriptional repressor; plus strand). Cytogenetic location: 19q13.2.
Variant type: single nucleotide variant.
Coding change: c.5377C>T on transcript NM_001386298.1 (MANE Select); coding-DNA position 5377, C replaced by T.
Protein change: p.Pro1793Ser; replaces proline 1793 with serine.
Molecular consequence: missense variant.
Genome position (GRCh38, 1-based): chr19:42,291,418, C>T. VCF-style: chr19-42291418-C-T. GRCh37 (hg19) VCF-style: chr19-42795570-C-T.
Other names: c.5377C>T, p.Pro1793Ser (NM_001304815.2, NM_001379480.1, NM_001379482.1 and 1 more transcripts); c.2650C>T, p.Pro884Ser (NM_001379484.1, NM_001379485.1, NM_015125.5); short protein forms P1793S, P884S.
Identifiers: ClinVar variation 1710588 (VCV001710588.3), dbSNP rs754250317, ClinGen allele CA406111706.